The following is an entry in ClinVar:

ClinVar aggregate classification (germline): Uncertain significance. Review status: criteria provided, multiple submitters, no conflicts (2 of 4 stars). 2 submissions from 2 submitters: Uncertain significance (2). Last evaluated 2023-04-03.

Conditions:
TRAK1-related disorder. Also called: TRAK1-related condition.

Allele frequency attached by ClinVar (database versions not stated): ExAC 0.00002; TOPMed 0.00002; gnomAD 0.00003; gnomAD exomes 0.00005; ESP Exome Variant Server 0.00008.
gnomAD v4.1: 80 of 1,527,288 alleles (0.0052%); highest among the groups gnomAD compares: East Asian, 0.025%; no homozygotes.

Submissions (2):

Blueprint Genetics
Classification: Uncertain significance. Last evaluated: 2023-04-03. Review status: criteria provided, single submitter. Criteria: ACMG Guidelines, 2015. Collection method: clinical testing. Allele origin: germline.

PreventionGenetics, part of Exact Sciences
Classification: Uncertain significance for TRAK1-related condition. Last evaluated: 2022-09-29. Review status: criteria provided, single submitter. Criteria: ACMG Guidelines, 2015. Collection method: clinical testing. Allele origin: germline.
Comment: The TRAK1 c.2047C>T variant is predicted to result in the amino acid substitution p.Arg683Cys. To our knowledge, this variant has not been reported in the literature. This variant is reported in 0.0035% of alleles in individuals of European (Non-Finnish) descent in gnomAD. Of note, this variant is located within an intron on the HGMD/MANE reportable transcript (NM_001042646.3:c.1963+258C>T). At this time, the clinical significance of this variant is uncertain due to the absence of conclusive functional and genetic evidence.

NM_001042646.3(TRAK1):c.1963+258C>T

Gene: TRAK1 (trafficking kinesin protein 1; plus strand). Cytogenetic location: 3p22.1.
Variant type: single nucleotide variant.
Coding change: c.1963+258C>T on transcript NM_001042646.3 (MANE Select); 258 bases into the intron after coding-DNA position 1963, C replaced by T.
Molecular consequence: intron variant. On other transcripts: missense variant (3).
Genome position (GRCh38, 1-based): chr3:42,210,243, C>T. VCF-style: chr3-42210243-C-T. GRCh37 (hg19) VCF-style: chr3-42251735-C-T.
Other names: c.2221C>T, p.Arg741Cys (NM_001265608.2); c.1999C>T, p.Arg667Cys (NM_001265609.2); c.2047C>T, p.Arg683Cys (NM_014965.5); c.1588+321C>T (NM_001349245.1); c.1963+258C>T (NM_001349247.2); c.1900+321C>T (NM_001349246.2); c.1741+258C>T (NM_001349249.1); c.1678+321C>T (NM_001349248.1); and 1 more; short protein forms R667C, R683C, R741C.
Identifiers: ClinVar variation 2634169 (VCV002634169.2), dbSNP rs144780029, ClinGen allele CA2333721.
Genomic context (GRCh38, chr3:42,210,243, plus strand): 5'-GCCATTCTCACCTCTGTTCCAGGCACCATCCGTAGTGGTTCTCTGTCTGTAGCTTCCGCT[C>T]GTCTGTGTGGGTGATGATTAAAGCATTCTCATTGCACAGTTCTGTTTTTAAATACAGAGT-3'